The following is an entry in ClinVar:

ClinVar aggregate classification (germline): Conflicting classifications of pathogenicity. Review status: criteria provided, conflicting classifications (1 of 4 stars). 6 submissions from 6 submitters: Pathogenic (2); Likely pathogenic (2); Uncertain significance (1). 1 of the submissions does not count toward it. Last evaluated 2025-09-13.

Conditions:
Nephrotic syndrome, type 9 (NPHS9). Identifiers: Orphanet 656, MedGen C3809965, MONDO:0014257, OMIM 615573.
ADCK4-related disorders.
Nephrotic syndrome. Identifiers: MedGen C0027726, MONDO:0005377, HP:0000100.

Allele frequency attached by ClinVar (database versions not stated): gnomAD 0.00003; TOPMed 0.00003.

Submissions (6):

Labcorp Genetics (formerly Invitae), Labcorp
Classification: Pathogenic. Last evaluated: 2025-09-13. Review status: criteria provided, single submitter. Criteria: Invitae Variant Classification Sherloc (09022015). Collection method: clinical testing. Allele origin: germline.
Comment: This sequence change replaces aspartic acid, which is acidic and polar, with histidine, which is basic and polar, at codon 250 of the COQ8B protein (p.Asp250His). This variant is present in population databases (rs769834604, gnomAD 0.08%). This missense change has been observed in individual(s) with nephrotic syndrome (PMID: 28204945, 29259860). In at least one individual the data is consistent with being in trans (on the opposite chromosome) from a pathogenic variant. It has also been observed to segregate with disease in related individuals. ClinVar contains an entry for this variant (Variation ID: 974478). Invitae Evidence Modeling of protein sequence and biophysical properties (such as structural, functional, and spatial information, amino acid conservation, physicochemical variation, residue mobility, and thermodynamic stability) indicates that this missense variant is expected to disrupt COQ8B protein function with a positive predictive value of 80%. For these reasons, this variant has been classified as Pathogenic.

3billion
Classification: Likely pathogenic for Nephrotic syndrome, type 9. Last evaluated: 2024-06-04. Review status: criteria provided, single submitter. Criteria: ACMG Guidelines, 2015. Collection method: clinical testing. Allele origin: germline. Affected: yes.
Comment: The variant is observed at an extremely low frequency in the gnomAD v4.0.0 dataset (total allele frequency: <0.001%). Predicted Consequence/Location: Missense variant In silico tool predictions suggest damaging effect of the variant on gene or gene product [REVEL: 0.80 (>=0.6, sensitivity 0.68 and specificity 0.92); 3Cnet: 0.79 (>=0.6, sensitivity 0.72 and precision 0.9)]. The same nucleotide change resulting in the same amino acid change has been previously reported to be associated with COQ8B related disorder (ClinVar ID: VCV000974478 /PMID: 28204945).The variant has been reported to be in trans with a pathogenic variant as either compound heterozygous or homozygous in at least 2 similarly affected unrelated individuals (PMID: 28204945, 33532864). Different missense changes at the same codon (p.Asp250Asn, p.Asp250Tyr) have been reported to be associated with COQ8B related disorder (ClinVar ID: VCV000988900 /PMID: 28298181, 34172776). Therefore, this variant is classified as Likely pathogenic according to the recommendation of ACMG/AMP guideline.

Molecular Biology Laboratory, Fundació Puigvert
Classification: Likely pathogenic for Nephrotic syndrome, type 9. Last evaluated: 2020-02-01. Review status: criteria provided, single submitter. Criteria: ACMG Guidelines, 2015. Collection method: research. Allele origin: inherited. Affected: yes. Study: KidneyPanel_2020.

Blueprint Genetics
Classification: Pathogenic for ADCK4-related disorders. Last evaluated: 2018-01-10. Review status: criteria provided, single submitter. Criteria: ACMG Guidelines, 2015. Collection method: clinical testing. Allele origin: germline. Affected: yes. Observed: 2 variant alleles.

Precision Medicine Center, Zhengzhou University
Classification: Uncertain significance for Nephrotic syndrome, type 9. Review status: criteria provided, single submitter. Criteria: ACMG Guidelines, 2015. Collection method: research. Allele origin: germline. Affected: yes.
Comment: PM1:Located in well-established functional domain PP1:Cosegregation with disease in multiple affected family members PP3:Multiple lines of computational evidence support a deleterious effect on the gene or gene product

Sydney Genome Diagnostics, Children's Hospital Westmead
Classification: Likely pathogenic for Nephrotic syndrome. Last evaluated: 2019-05-08. Review status: no assertion criteria provided. Collection method: clinical testing. Allele origin: unknown. Affected: yes. Observed: 1 variant allele, 1 homozygote. Not counted in ClinVar's aggregate classification.
Comment: This variant has been reported in the gnomAD browser with an allele frequency of 0.075% in the East Asian population (15 out of 19,938 alleles). This variant has been previously reported as homozygous or compound heterozygous with another COQ8B variant in numerous Chinese patients with steroid-resistant nephrotic syndrome (Korkmaz et al 2016 J Am Soc Nephrol 27: 63-68; Wang et al 2017 Pediatr Nephrol 32: 1181-1192; Feng et al 2017 Medicine 96(47): e8880). One patient compound heterozygous for the c.748G>C variant and another COQ8B variant also showed reduced proteinuria upon coenzyme Q10 supplementation (Feng et al 2017). In silico analysis of pathogenicity (through Alamut Visual v2.8.1) using PolyPhen2, SIFT and MutationTaster all predict this variant to be a likely pathogenic variant. This variant is considered to be likely pathogenic according to the ACMG guidelines (Evidence used: PM3_strong, PM2, PP3).

Literature cited by the submitters: PubMed 28204945 (cited by Labcorp Genetics (formerly Invitae), Labcorp and 3billion); PubMed 29259860 (cited by Labcorp Genetics (formerly Invitae), Labcorp); PubMed 28298181 (cited by 3billion); PubMed 33532864 (cited by 3billion and Molecular Biology Laboratory, Fundació Puigvert).

NM_024876.4(COQ8B):c.748G>C (p.Asp250His)

Gene: COQ8B (coenzyme Q8B; minus strand). Cytogenetic location: 19q13.2.
Variant type: single nucleotide variant.
Coding change: c.748G>C on transcript NM_024876.4 (MANE Select); coding-DNA position 748, G replaced by C.
Protein change: p.Asp250His; replaces aspartic acid 250 with histidine.
Molecular consequence: missense variant.
Genome position (GRCh38, 1-based): chr19:40,703,592, C>G on the plus strand (G>C on the coding strand, the complement: COQ8B is on the minus strand). VCF-style: chr19-40703592-C-G. GRCh37 (hg19) VCF-style: chr19-41209497-C-G.
Other names: c.625G>C, p.Asp209His (NM_001142555.3); short protein forms D209H, D250H.
Identifiers: ClinVar variation 974478 (VCV000974478.7), dbSNP rs769834604, ClinGen allele CA9450294.
Genomic context (GRCh38, chr19:40,703,592, plus strand): 5'-GCGCCTCACCCGCGGGCAGGGCCGCGCTCATCTTGAGTACCGCCAGCAGGTTCTGGACAT[C>G]GCTCTGAATGCTCTGGGCTATGCCGGGGTACTGTAAAGGGAGAAGGGAGGGAGAGAAGGT-3'
Protein context (NP_079152.3, residues 240-260): YPGIAQSIQS[Asp250His]VQNLLAVLKM